The following is an entry in ClinVar:

ClinVar aggregate classification (germline): Benign. Review status: criteria provided, multiple submitters, no conflicts (2 of 4 stars). 4 submissions from 4 submitters: Benign (4). Last evaluated 2021-07-14.

Conditions:
Timothy syndrome (TS). Also called: LONG QT SYNDROME WITH SYNDACTYLY. Identifiers: Orphanet 65283, MedGen C1832916, MeSH C536962, MONDO:0010979, OMIM 601005.
Long QT syndrome (LQTS). Identifiers: MedGen C0023976, MeSH D008133, MONDO:0002442. Disease mechanism: loss of function. Inheritance: Various modes of inheritance.

Allele frequency attached by ClinVar (database versions not stated): 1000 Genomes Project 30x 0.57839; 1000 Genomes Project 0.58666; TOPMed 0.58703; gnomAD 0.60150 and 0.60734; gnomAD exomes 0.70929.
gnomAD v4.1: 1,029,918 of 1,476,038 alleles (70%); highest among the groups gnomAD compares: East Asian, 73%; 365,698 homozygotes.

Submissions (4):

Genome-Nilou Lab
Classification: Benign for Timothy syndrome. Last evaluated: 2021-07-14. Review status: criteria provided, single submitter. Criteria: ACMG Guidelines, 2015. Collection method: clinical testing. Allele origin: germline. Affected: no.

Labcorp Genetics (formerly Invitae), Labcorp
Classification: Benign for Long QT syndrome. Last evaluated: 2019-12-31. Review status: criteria provided, single submitter. Criteria: Invitae Variant Classification Sherloc (09022015). Collection method: clinical testing. Allele origin: germline.

GeneDx
Classification: Benign. Last evaluated: 2018-06-14. Review status: criteria provided, single submitter. Criteria: GeneDx Variant Classification (06012015). Collection method: clinical testing. Allele origin: germline. Affected: yes.
Comment: This variant is considered likely benign or benign based on one or more of the following criteria: it is a conservative change, it occurs at a poorly conserved position in the protein, it is predicted to be benign by multiple in silico algorithms, and/or has population frequency not consistent with disease.

Breakthrough Genomics
Classification: Benign. Review status: criteria provided, single submitter. Criteria: ACMG Guidelines, 2015. Collection method: not provided. Allele origin: germline. Inheritance: Autosomal dominant inheritance. Affected: yes.

NM_000719.7(CACNA1C):c.1896-54G>A

Gene: CACNA1C (calcium voltage-gated channel subunit alpha1 C; plus strand). Cytogenetic location: 12p13.33.
Variant type: single nucleotide variant.
Coding change: c.1896-54G>A on transcript NM_000719.7 (MANE Select); 54 bases into the intron before coding-DNA position 1896, G replaced by A.
Molecular consequence: intron variant.
Genome position (GRCh38, 1-based): chr12:2,581,536, G>A. VCF-style: chr12-2581536-G-A. GRCh37 (hg19) VCF-style: chr12-2690702-G-A.
Other names: c.1896-54G>A (NM_001167624.3, NM_001167623.2, NM_001167625.2 and 18 more transcripts); c.1887-54G>A (NM_001129844.2).
Identifiers: ClinVar variation 671800 (VCV000671800.9), dbSNP rs11832738, ClinGen allele CA13577111.